The following is an entry in ClinVar:

NM_001161352.2(KCNMA1):c.3634A>G (p.Thr1212Ala)

Gene: KCNMA1 (potassium calcium-activated channel subfamily M alpha 1; minus strand). Cytogenetic location: 10q22.3.
Variant type: single nucleotide variant.
Coding change: c.3634A>G on transcript NM_001161352.2 (MANE Select); coding-DNA position 3634, A replaced by G.
Protein change: p.Thr1212Ala; replaces threonine 1212 with alanine.
Molecular consequence: missense variant.
Genome position (GRCh38, 1-based): chr10:76,887,343, T>C on the plus strand (A>G on the coding strand, the complement: KCNMA1 is on the minus strand). VCF-style: chr10-76887343-T-C. GRCh37 (hg19) VCF-style: chr10-78647101-T-C.
Other names: c.3460A>G (NM_002247.3); c.3472A>G, p.Thr1158Ala (NM_001014797.3); c.3583A>G, p.Thr1195Ala (NM_001161353.2); c.3310A>G, p.Thr1104Ala (NM_001271518.2); c.3550A>G, p.Thr1184Ala (NM_001271519.2); c.3469A>G, p.Thr1157Ala (NM_001322829.2, NM_001322836.2); c.3562A>G, p.Thr1188Ala (NM_001322830.2); c.3460A>G, p.Thr1154Ala (NM_001322832.2, NM_001410940.1, NM_002247.4); and 2 more; short protein forms T1003A, T1212A, T1104A, T1185A, T1154A, T1157A, T1158A, T1188A.
Identifiers: ClinVar variation 2179323 (VCV002179323.6), dbSNP rs765654150, ClinGen allele CA5567801.

ClinVar aggregate classification (germline): Uncertain significance. Review status: criteria provided, multiple submitters, no conflicts (2 of 4 stars). 2 submissions from 2 submitters: Uncertain significance (2). Last evaluated 2023-08-17.

Conditions:
Inborn genetic diseases. Identifiers: MedGen C0950123, MeSH D030342.
Generalized epilepsy-paroxysmal dyskinesia syndrome (PNKD3). Also called: Generalized epilepsy and paroxysmal dyskinesia; Paroxysmal nonkinesigenic dyskinesia, 3, with or without generalized epilepsy. Identifiers: Orphanet 79137, MedGen C5574945, MONDO:0012276, OMIM 609446.

Allele frequency attached by ClinVar (database versions not stated): ExAC 0.00001; gnomAD 0.00001; gnomAD exomes 0.00001; TOPMed 0.00002.
gnomAD v4.1: 22 of 1,613,890 alleles (0.0014%); highest among the groups gnomAD compares: South Asian, 0.0011%; no homozygotes.

Submissions (2):

Labcorp Genetics (formerly Invitae), Labcorp
Classification: Uncertain significance for Generalized epilepsy-paroxysmal dyskinesia syndrome. Last evaluated: 2023-08-17. Review status: criteria provided, single submitter. Criteria: Invitae Variant Classification Sherloc (09022015). Collection method: clinical testing. Allele origin: germline.
Comment: In summary, the available evidence is currently insufficient to determine the role of this variant in disease. Therefore, it has been classified as a Variant of Uncertain Significance. An algorithm developed to predict the effect of missense changes on protein structure and function (PolyPhen-2) suggests that this variant is likely to be tolerated. ClinVar contains an entry for this variant (Variation ID: 2179323). This variant has not been reported in the literature in individuals affected with KCNMA1-related conditions. This variant is present in population databases (rs765654150, gnomAD 0.01%). This sequence change replaces threonine, which is neutral and polar, with alanine, which is neutral and non-polar, at codon 1154 of the KCNMA1 protein (p.Thr1154Ala).

Ambry Genetics
Classification: Uncertain significance for Inborn genetic diseases. Last evaluated: 2023-05-23. Review status: criteria provided, single submitter. Criteria: Ambry Variant Classification Scheme 2023. Collection method: clinical testing. Allele origin: germline.